The following is an entry in ClinVar:

NM_004260.4(RECQL4):c.3324T>A (p.Phe1108Leu)

Gene: RECQL4 (RecQ like helicase 4; minus strand). Cytogenetic location: 8q24.3.
Variant type: single nucleotide variant.
Coding change: c.3324T>A on transcript NM_004260.4 (MANE Select); coding-DNA position 3324, T replaced by A.
Protein change: p.Phe1108Leu; replaces phenylalanine 1108 with leucine.
Molecular consequence: missense variant. On other transcripts: non-coding transcript variant (3).
Genome position (GRCh38, 1-based): chr8:144,511,980, A>T on the plus strand (T>A on the coding strand, the complement: RECQL4 is on the minus strand). VCF-style: chr8-144511980-A-T. GRCh37 (hg19) VCF-style: chr8-145737363-A-T.
Other names: c.1857T>A, p.Phe619Leu (NM_001413043.1); c.3030T>A, p.Phe1010Leu (NM_001413017.1); c.3126T>A, p.Phe1042Leu (NM_001413018.1); c.3399T>A, p.Phe1133Leu (NM_001413019.1); c.3228T>A, p.Phe1076Leu (NM_001413020.1); c.2253T>A, p.Phe751Leu (NM_001413021.1, NM_001413022.1, NM_001413024.1 and 4 more transcripts); c.2328T>A, p.Phe776Leu (NM_001413023.1); c.3195T>A, p.Phe1065Leu (NM_001413025.1); and 9 more; short protein forms F1065L, F1076L, F1133L, F729L, F754L, F1098L, F741L, F776L.
Identifiers: ClinVar variation 2909494 (VCV002909494.3), dbSNP rs1326099113, ClinGen allele CA372668642.
Genomic context (GRCh38, chr8:144,511,980, plus strand): 5'-CCCTGGCTCGGGGCCCTGTGCGTCCTCCATGCCTCCCGGCTCCTGCCCTTCCTCTTCCTC[A>T]AAGTAGCGGCCGAGCAGGTCCTTGAGCCTGGTGCTGCGCTCCTCATCCTGCTGCTCCAGG-3'
Protein context (NP_004251.4, residues 1098-1118): TRLKDLLGRY[Phe1108Leu]EEEEGQEPGG

ClinVar aggregate classification (germline): Uncertain significance (1 of 4 stars; one submission).

Conditions:
Baller-Gerold syndrome (BGS). Also called: CRANIOSYNOSTOSIS WITH RADIAL DEFECTS. Identifiers: Orphanet 1225, MedGen C0265308, MONDO:0009039, OMIM 218600.

Allele frequency attached by ClinVar (database versions not stated): gnomAD exomes below 0.00001.
gnomAD v4.1: 3 of 1,611,308 alleles (0.00019%); highest among the groups gnomAD compares: Non-Finnish European, 0.00025%; no homozygotes.

Submission:

Labcorp Genetics (formerly Invitae), Labcorp
Classification: Uncertain significance for Baller-Gerold syndrome. Last evaluated: 2025-10-20. Review status: criteria provided, single submitter. Criteria: Invitae Variant Classification Sherloc (09022015). Collection method: clinical testing. Allele origin: germline.
Comment: This sequence change replaces phenylalanine, which is neutral and non-polar, with leucine, which is neutral and non-polar, at codon 1108 of the RECQL4 protein (p.Phe1108Leu). This variant is not present in population databases (gnomAD no frequency). This variant has not been reported in the literature in individuals affected with RECQL4-related conditions. ClinVar contains an entry for this variant (Variation ID: 2909494). Invitae Evidence Modeling of protein sequence and biophysical properties (such as structural, functional, and spatial information, amino acid conservation, physicochemical variation, residue mobility, and thermodynamic stability) indicates that this missense variant is expected to disrupt RECQL4 protein function with a positive predictive value of 80%. In summary, the available evidence is currently insufficient to determine the role of this variant in disease. Therefore, it has been classified as a Variant of Uncertain Significance.